The following is an entry in ClinVar:

NM_001347674.1(KRTAP5-4):c.176T>C (p.Val59Ala)

Gene: KRTAP5-4 (keratin associated protein 5-4; minus strand). Cytogenetic location: 11p15.5.
Variant type: single nucleotide variant.
Coding change: c.176T>C on transcript NM_001347674.1 (MANE Select); coding-DNA position 176, T replaced by C.
Protein change: p.Val59Ala; replaces valine 59 with alanine.
Molecular consequence: missense variant.
Genome position (GRCh38, 1-based): chr11:1,621,918, A>G on the plus strand (T>C on the coding strand, the complement: KRTAP5-4 is on the minus strand). VCF-style: chr11-1621918-A-G. GRCh37 (hg19) VCF-style: chr11-1643148-A-G.
Other names: c.176T>C (NM_001012709.1); short protein forms V59A.
Identifiers: ClinVar variation 3865953 (VCV003865953.1).

ClinVar aggregate classification (germline): Uncertain significance (1 of 4 stars; one submission).

gnomAD v4.1: 49 of 1,564,170 alleles (0.0031%); highest among the groups gnomAD compares: Admixed American, 0.024%; no homozygotes.

Submission:

Ambry Genetics
Classification: Uncertain significance. Last evaluated: 2025-01-21. Review status: criteria provided, single submitter. Criteria: Ambry Variant Classification Scheme 2023. Collection method: clinical testing. Allele origin: germline.
Comment: The c.176T>C (p.V59A) alteration is located in exon (coding exon ) of the KRTAP5-4 gene. This alteration results from a T to C substitution at nucleotide position 176, causing the valine (V) at amino acid position 59 to be replaced by an alanine (A). Based on insufficient or conflicting evidence, the clinical significance of this alteration remains unclear.